The following is an entry in ClinVar:

NM_002968.3(SALL1):c.3855C>G (p.Leu1285=)

Gene: SALL1 (spalt like transcription factor 1; minus strand). Cytogenetic location: 16q12.1.
Variant type: single nucleotide variant.
Coding change: c.3855C>G on transcript NM_002968.3 (MANE Select); coding-DNA position 3855, C replaced by G.
Protein change: p.Leu1285=; no amino-acid change (leucine 1285 retained).
Molecular consequence: synonymous variant.
Genome position (GRCh38, 1-based): chr16:51,137,232, G>C on the plus strand (C>G on the coding strand, the complement: SALL1 is on the minus strand). VCF-style: chr16-51137232-G-C. GRCh37 (hg19) VCF-style: chr16-51171143-G-C.
Other names: c.3564C>G, p.Leu1188= (NM_001127892.2).
Identifiers: ClinVar variation 3050111 (VCV003050111.2), dbSNP rs777335761, ClinGen allele CA8052816.

ClinVar aggregate classification (germline): Likely benign (0 of 4 stars; one submission).

Conditions:
SALL1-related disorder. Also called: SALL1-related condition.

Allele frequency attached by ClinVar (database versions not stated): TOPMed 0.00002.
gnomAD v4.1: 11 of 1,613,992 alleles (0.00068%); highest among the groups gnomAD compares: Admixed American, 0.013%; no homozygotes.

Submission:

PreventionGenetics, part of Exact Sciences
Classification: Likely benign for SALL1-related condition. Last evaluated: 2019-07-15. Review status: no assertion criteria provided. Collection method: clinical testing. Allele origin: germline.
Comment: This variant is classified as likely benign based on ACMG/AMP sequence variant interpretation guidelines (Richards et al. 2015 PMID: 25741868, with internal and published modifications).